The following is an entry in ClinVar:

ClinVar aggregate classification (germline): Conflicting classifications of pathogenicity. Review status: criteria provided, conflicting classifications (1 of 4 stars). 7 submissions from 7 submitters: Uncertain significance (1); Benign (2); Likely benign (3). 1 of the submissions does not count toward it. Last evaluated 2026-02-03.

Conditions:
CHRNA4-related disorder. Also called: CHRNA4-related condition.
Familial sleep-related hypermotor epilepsy. Also called: Autosomal Dominant Sleep-Related Hypermotor (Hyperkinetic) Epilepsy. Identifiers: Orphanet 98784, MedGen C3696898, MONDO:0000030.
Inborn genetic diseases. Identifiers: MedGen C0950123, MeSH D030342.

Allele frequency attached by ClinVar (database versions not stated): gnomAD exomes 0.00010 and 0.00014; 1000 Genomes Project 30x 0.00031; ExAC 0.00033; 1000 Genomes Project 0.00040; TOPMed 0.00065; gnomAD 0.00066 and 0.00070; ESP Exome Variant Server 0.00078.

Submissions (7):

Labcorp Genetics (formerly Invitae), Labcorp
Classification: Likely benign. Last evaluated: 2026-02-03. Review status: criteria provided, single submitter. Criteria: Invitae Variant Classification Sherloc (09022015). Collection method: clinical testing. Allele origin: germline.

CeGaT Center for Human Genetics Tuebingen
Classification: Benign. Last evaluated: 2025-12-01. Review status: criteria provided, single submitter. Criteria: CeGaT Center For Human Genetics Tuebingen Variant Classification Criteria Version 2. Collection method: clinical testing. Allele origin: germline. Affected: yes. Observed: 4 variant alleles.
Comment: CHRNA4: BS1, BS2

Mayo Clinic Laboratories, Mayo Clinic
Classification: Likely benign. Last evaluated: 2025-11-23. Review status: criteria provided, single submitter. Criteria: ACMG Guidelines, 2015. Collection method: clinical testing. Allele origin: germline. Observed: 1 variant allele.
Comment: BS2, BP4

Ambry Genetics
Classification: Likely benign for Inborn genetic diseases. Last evaluated: 2021-06-22. Review status: criteria provided, single submitter. Criteria: Ambry Variant Classification Scheme 2023. Collection method: clinical testing. Allele origin: germline.

GeneDx
Classification: Benign. Last evaluated: 2020-09-22. Review status: criteria provided, single submitter. Criteria: GeneDx Variant Classification Process June 2021. Collection method: clinical testing. Allele origin: germline. Affected: yes.
Comment: This variant is associated with the following publications: (PMID: 21683344)

Eurofins Ntd Llc (ga)
Classification: Uncertain significance. Last evaluated: 2014-12-02. Review status: criteria provided, single submitter. Criteria: EGL Classification Definitions 2015. Collection method: clinical testing. Allele origin: germline. Observed: 1 variant allele, 1 heterozygote.

PreventionGenetics, part of Exact Sciences
Classification: Likely benign for CHRNA4-related condition. Last evaluated: 2021-04-13. Review status: no assertion criteria provided. Collection method: clinical testing. Allele origin: germline. Not counted in ClinVar's aggregate classification.
Comment: This variant is classified as likely benign based on ACMG/AMP sequence variant interpretation guidelines (Richards et al. 2015 PMID: 25741868, with internal and published modifications).

NM_000744.7(CHRNA4):c.1441G>A (p.Gly481Ser)

Gene: CHRNA4 (cholinergic receptor nicotinic alpha 4 subunit; minus strand). Cytogenetic location: 20q13.33.
Variant type: single nucleotide variant.
Coding change: c.1441G>A on transcript NM_000744.7 (MANE Select); coding-DNA position 1441, G replaced by A.
Protein change: p.Gly481Ser; replaces glycine 481 with serine.
Molecular consequence: missense variant. On other transcripts: non-coding transcript variant (1).
Genome position (GRCh38, 1-based): chr20:63,349,970, C>T on the plus strand (G>A on the coding strand, the complement: CHRNA4 is on the minus strand). VCF-style: chr20-63349970-C-T. GRCh37 (hg19) VCF-style: chr20-61981322-C-T.
Other names: p.G481S:GGC>AGC; p.Gly481Ser; c.913G>A, p.Gly305Ser (NM_001256573.2); short protein forms G481S, G305S.
Identifiers: ClinVar variation 197692 (VCV000197692.54), dbSNP rs111969225, ClinGen allele CA245969.